The following is an entry in ClinVar:

ClinVar aggregate classification (germline): Benign. Review status: criteria provided, single submitter (1 of 4 stars). 2 submissions from 1 submitter: Benign (2). Last evaluated 2018-01-13.

Conditions:
Orofacial cleft 11 (OFC11). Also called: Orofacial cleft 11; ofc11; CLEFT LIP WITH OR WITHOUT CLEFT PALATE, NONSYNDROMIC, 11. Identifiers: MedGen C2677434, MONDO:0010906, OMIM 600625.
Microphthalmia with brain and digit anomalies (MCOPS6). Also called: MICROPHTHALMIA AND PITUITARY ANOMALIES; Microphthalmia, syndromic 6. Identifiers: Orphanet 139471, MedGen C1864689, MONDO:0011936, OMIM 607932.

Allele frequency attached by ClinVar (database versions not stated): gnomAD exomes 0.00127; 1000 Genomes Project 0.01198; gnomAD 0.01211 and 0.01302; TOPMed 0.01337; 1000 Genomes Project 30x 0.01374.
gnomAD v4.1: 2,183 of 399,278 alleles (0.55%); highest among the groups gnomAD compares: African/African-American, 4.1%; 32 homozygotes.

Submissions (2):

Illumina Laboratory Services, Illumina
Classification: Benign for Microphthalmia with brain and digit anomalies. Last evaluated: 2018-01-13. Review status: criteria provided, single submitter. Criteria: ICSL Variant Classification Criteria 13 December 2019. Collection method: clinical testing. Allele origin: germline.
Comment: This variant was observed in the ICSL laboratory as part of a predisposition screen in an ostensibly healthy population. It had not been previously curated by ICSL or reported in the Human Gene Mutation Database (HGMD: prior to June 1st, 2018), and was therefore a candidate for classification through an automated scoring system. Utilizing variant allele frequency, disease prevalence and penetrance estimates, and inheritance mode, an automated score was calculated to assess if this variant is too frequent to cause the disease. Based on the score and internal cut-off values, a variant classified as benign is not then subjected to further curation. The score for this variant resulted in a classification of benign for this disease.

Illumina Laboratory Services, Illumina
Classification: Benign for Orofacial cleft 11. Last evaluated: 2018-01-13. Review status: criteria provided, single submitter. Criteria: ICSL Variant Classification Criteria 13 December 2019. Collection method: clinical testing. Allele origin: germline.
Comment: the same text as in the submission from Illumina Laboratory Services, Illumina above.

NM_001202.6(BMP4):c.-146T>C

Genes: BMP4 (bone morphogenetic protein 4; minus strand), LOC109433677 (BMP4 promoter region; plus strand). Cytogenetic location: 14q22.2.
Variant type: single nucleotide variant.
Coding change: c.-146T>C on transcript NM_001202.6 (MANE Select); 146 bases upstream of the start codon, T replaced by C.
Molecular consequence: 5 prime UTR variant. On other transcripts: intron variant (2).
Genome position (GRCh38, 1-based): chr14:53,956,563, A>G on the plus strand (T>C on the coding strand, the complement: BMP4 is on the minus strand). VCF-style: chr14-53956563-A-G. GRCh37 (hg19) VCF-style: chr14-54423281-A-G.
Other names: c.-282T>C (NM_001347913.2); c.62+196T>C (NM_001347912.1); c.-133+196T>C (NM_130850.5).
Identifiers: ClinVar variation 313355 (VCV000313355.6), dbSNP rs73267467, ClinGen allele CA10640290.